The following is an entry in ClinVar:

NM_001330311.2(DVL1):c.473G>A (p.Arg158Gln)

Gene: DVL1 (dishevelled segment polarity protein 1; minus strand). Cytogenetic location: 1p36.33.
Variant type: single nucleotide variant.
Coding change: c.473G>A on transcript NM_001330311.2 (MANE Select); coding-DNA position 473, G replaced by A.
Protein change: p.Arg158Gln; replaces arginine 158 with glutamine.
Molecular consequence: missense variant.
Genome position (GRCh38, 1-based): chr1:1,341,799, C>T on the plus strand (G>A on the coding strand, the complement: DVL1 is on the minus strand). VCF-style: chr1-1341799-C-T. GRCh37 (hg19) VCF-style: chr1-1277179-C-T.
Other names: c.473G>A, p.Arg158Gln (NM_004421.3); short protein forms R158Q.
Identifiers: ClinVar variation 732096 (VCV000732096.11), dbSNP rs150617550, ClinGen allele CA520654.

ClinVar aggregate classification (germline): Conflicting classifications of pathogenicity. Review status: criteria provided, conflicting classifications (1 of 4 stars). 3 submissions from 3 submitters: Uncertain significance (1); Benign (1); Likely benign (1). Last evaluated 2026-06-10.

Allele frequency attached by ClinVar (database versions not stated): ESP Exome Variant Server 0.00008; gnomAD 0.00020 and 0.00036; TOPMed 0.00029; gnomAD exomes 0.00043 and 0.00075; ExAC 0.00107; 1000 Genomes Project 30x 0.00156; 1000 Genomes Project 0.00180.
gnomAD v4.1: 649 of 1,582,488 alleles (0.041%); highest among the groups gnomAD compares: East Asian, 1.4%; 8 homozygotes.

Submissions (3):

Women's Health and Genetics/Laboratory Corporation of America, LabCorp
Classification: Likely benign. Last evaluated: 2026-06-10. Review status: criteria provided, single submitter. Criteria: LabCorp Variant Classification Summary - May 2015. Collection method: clinical testing. Allele origin: germline.
Comment: Variant summary: DVL1 c.473G>A (p.Arg158Gln) results in a conservative amino acid change in the encoded protein sequence. Algorithms developed to predict the effect of missense changes on protein structure and function are either unavailable or do not agree on the potential impact of this missense change. The variant allele was found at a frequency of 0.00075 in 214664 control chromosomes, predominantly at a frequency of 0.0096 within the East Asian subpopulation in the gnomAD database. The observed variant frequency within East Asian control individuals in the gnomAD database exceeds the estimated maximal expected allele frequency for disease-causing variants in DVL1. To our knowledge, no occurrence of c.473G>A in individuals affected with DVL1-related conditions and no experimental evidence demonstrating its impact on protein function have been reported. ClinVar contains an entry for this variant (Variation ID: 732096). Based on the evidence outlined above, the variant was classified as likely benign.

Labcorp Genetics (formerly Invitae), Labcorp
Classification: Benign. Last evaluated: 2025-12-02. Review status: criteria provided, single submitter. Criteria: Invitae Variant Classification Sherloc (09022015). Collection method: clinical testing. Allele origin: germline.

GeneDx
Classification: Uncertain significance. Last evaluated: 2022-02-14. Review status: criteria provided, single submitter. Criteria: GeneDx Variant Classification Process June 2021. Collection method: clinical testing. Allele origin: germline. Affected: yes.
Comment: In silico analysis supports that this missense variant has a deleterious effect on protein structure/function; Has not been previously published as pathogenic or benign to our knowledge